The following is an entry in ClinVar:

NM_012079.6(DGAT1):c.1160G>A (p.Arg387Lys)

Gene: DGAT1 (diacylglycerol O-acyltransferase 1; minus strand). Cytogenetic location: 8q24.3.
Variant type: single nucleotide variant.
Coding change: c.1160G>A on transcript NM_012079.6 (MANE Select); coding-DNA position 1160, G replaced by A.
Protein change: p.Arg387Lys; replaces arginine 387 with lysine.
Molecular consequence: missense variant.
Genome position (GRCh38, 1-based): chr8:144,317,187, C>T on the plus strand (G>A on the coding strand, the complement: DGAT1 is on the minus strand). VCF-style: chr8-144317187-C-T. GRCh37 (hg19) VCF-style: chr8-145540850-C-T.
Other names: short protein forms R387K.
Identifiers: ClinVar variation 1375268 (VCV001375268.8), dbSNP rs2130512995, ClinGen allele CA372608351.

ClinVar aggregate classification (germline): Uncertain significance (1 of 4 stars; one submission).

Submission:

Labcorp Genetics (formerly Invitae), Labcorp
Classification: Uncertain significance. Last evaluated: 2021-02-23. Review status: criteria provided, single submitter. Criteria: Invitae Variant Classification Sherloc (09022015). Collection method: clinical testing. Allele origin: germline.
Comment: Nucleotide substitutions within the consensus splice site are a relatively common cause of aberrant splicing (PMID: 17576681, 9536098). Algorithms developed to predict the effect of sequence changes on RNA splicing suggest that this variant may disrupt the consensus splice site, but this prediction has not been confirmed by published transcriptional studies. In summary, the available evidence is currently insufficient to determine the role of this variant in disease. Therefore, it has been classified as a Variant of Uncertain Significance. Algorithms developed to predict the effect of missense changes on protein structure and function (SIFT, PolyPhen-2, Align-GVGD) all suggest that this variant is likely to be disruptive, but these predictions have not been confirmed by published functional studies and their clinical significance is uncertain. This variant has not been reported in the literature in individuals with DGAT1-related conditions. This variant is not present in population databases (ExAC no frequency). This sequence change replaces arginine with lysine at codon 387 of the DGAT1 protein (p.Arg387Lys). The arginine residue is highly conserved and there is a small physicochemical difference between arginine and lysine. This variant also falls at the last nucleotide of exon 14, which is part of the consensus splice site for this exon.

Literature cited by the submitters: PubMed 17576681; PubMed 9536098.